The following is an entry in ClinVar:

ClinVar aggregate classification (germline): Uncertain significance (1 of 4 stars; one submission).

Submission:

GeneDx
Classification: Uncertain significance. Last evaluated: 2025-02-26. Review status: criteria provided, single submitter. Criteria: GeneDx Variant Classification Process June 2021. Collection method: clinical testing. Allele origin: germline. Affected: yes.
Comment: Not observed at significant frequency in large population cohorts (gnomAD); Has not been previously published as pathogenic or benign to our knowledge; In-frame duplication of 2 amino acid(s) with an unclear effect on protein function; This variant is associated with the following publications: (PMID: 18034775)

NM_005188.4(CBL):c.36_41dup (p.Gly14_Ser15insGlyGly)

Genes: CBL (Cbl proto-oncogene; plus strand), LOC130006895 (ATAC-STARR-seq lymphoblastoid silent region 3975; plus strand). Cytogenetic location: 11q23.3.
Variant type: Duplication.
Coding change: c.36_41dup on transcript NM_005188.4 (MANE Select); coding-DNA positions 36 to 41, 6 bases duplicated (GGGCGG; older notation c.36_41dupGGGCGG).
Protein change: p.Gly14_Ser15insGlyGly.
Molecular consequence: inframe insertion.
Genome position (GRCh38, 1-based): chr11:119,206,453-119,206,458, GGGCGG duplicated; duplicating any 6 consecutive bases within chr11:119,206,450-119,206,458 gives the same sequence; the c. name uses the placement nearest the transcript's 3' end. VCF-style (leftmost placement, unchanged base first): chr11-119206449-C-CCGGGGG. GRCh37 (hg19) VCF-style: chr11-119077159-C-CCGGGGG.
Identifiers: ClinVar variation 4077335 (VCV004077335.1).